The following is an entry in ClinVar:

NM_000701.8(ATP1A1):c.1643T>C (p.Leu548Pro)

Genes: ATP1A1 (ATPase Na+/K+ transporting subunit alpha 1; plus strand), ATP1A1-AS1 (ATP1A1 antisense RNA 1; minus strand). Cytogenetic location: 1p13.1.
Variant type: single nucleotide variant.
Coding change: c.1643T>C on transcript NM_000701.8 (MANE Select); coding-DNA position 1643, T replaced by C.
Protein change: p.Leu548Pro; replaces leucine 548 with proline.
Molecular consequence: missense variant.
Genome position (GRCh38, 1-based): chr1:116,393,706, T>C. VCF-style: chr1-116393706-T-C. GRCh37 (hg19) VCF-style: chr1-116936328-T-C.
Other names: c.1643T>C, p.Leu548Pro (NM_001160233.2); c.1550T>C, p.Leu517Pro (NM_001160234.2); short protein forms L548P, L517P.
Identifiers: ClinVar variation 3648028 (VCV003648028.2).

ClinVar aggregate classification (germline): Uncertain significance (1 of 4 stars; one submission).

Submission:

Labcorp Genetics (formerly Invitae), Labcorp
Classification: Uncertain significance. Last evaluated: 2024-03-28. Review status: criteria provided, single submitter. Criteria: Invitae Variant Classification Sherloc (09022015). Collection method: clinical testing. Allele origin: germline.
Comment: This sequence change replaces leucine, which is neutral and non-polar, with proline, which is neutral and non-polar, at codon 548 of the ATP1A1 protein (p.Leu548Pro). This variant is not present in population databases (gnomAD no frequency). This variant has not been reported in the literature in individuals affected with ATP1A1-related conditions. Advanced modeling of protein sequence and biophysical properties (such as structural, functional, and spatial information, amino acid conservation, physicochemical variation, residue mobility, and thermodynamic stability) performed at Invitae indicates that this missense variant is expected to disrupt ATP1A1 protein function with a positive predictive value of 80%. In summary, the available evidence is currently insufficient to determine the role of this variant in disease. Therefore, it has been classified as a Variant of Uncertain Significance.